The following is an entry in ClinVar:

NM_001267550.2(TTN):c.82754C>A (p.Ser27585Tyr)

Genes: TTN (titin; minus strand), TTN-AS1 (TTN antisense RNA 1; plus strand). Cytogenetic location: 2q31.2.
Variant type: single nucleotide variant.
Coding change: c.82754C>A on transcript NM_001267550.2 (MANE Select); coding-DNA position 82754, C replaced by A.
Protein change: p.Ser27585Tyr; replaces serine 27585 with tyrosine.
Molecular consequence: missense variant.
Genome position (GRCh38, 1-based): chr2:178,563,378, G>T on the plus strand (C>A on the coding strand, the complement: TTN is on the minus strand). VCF-style: chr2-178563378-G-T. GRCh37 (hg19) VCF-style: chr2-179428105-G-T.
Other names: p.S25017Y:TCT>TAT; c.77831C>A, p.Ser25944Tyr (NM_001256850.1); c.75050C>A, p.Ser25017Tyr (NM_133378.4); c.55559C>A, p.Ser18520Tyr (NM_003319.4); c.55934C>A, p.Ser18645Tyr (NM_133432.3); c.56135C>A, p.Ser18712Tyr (NM_133437.4); short protein forms S25944Y, S27585Y, S25017Y, S18520Y, S18712Y, S18645Y.
Identifiers: ClinVar variation 202914 (VCV000202914.21), dbSNP rs72648215, ClinGen allele CA310674.

ClinVar aggregate classification (germline): Conflicting classifications of pathogenicity. Review status: criteria provided, conflicting classifications (1 of 4 stars). 8 submissions from 8 submitters: Uncertain significance (4); Likely benign (2). 2 of the submissions do not count toward it. Last evaluated 2025-08-11.

Conditions:
TTN-related disorder. Also called: TTN-related condition; TTN-related disease; TTN-related disorders.
Autosomal recessive limb-girdle muscular dystrophy type 2J (LGMDR10). Also called: Limb-girdle muscular dystrophy, type 2J; MUSCULAR DYSTROPHY, LIMB-GIRDLE, AUTOSOMAL RECESSIVE 10. Identifiers: Orphanet 140922, MedGen C1837342, MONDO:0012127, OMIM 608807.
Dilated cardiomyopathy 1G (CMD1G). Identifiers: Orphanet 154, MedGen C1858763, MONDO:0011400, OMIM 604145.
Tip-toe gait. Also called: Toe walking. Identifiers: MedGen C0427144, HP:0030051.

Allele frequency attached by ClinVar (database versions not stated): gnomAD exomes 0.00009 and 0.00007; TOPMed 0.00003; gnomAD 0.00009 and 0.00010; ExAC 0.00009.
gnomAD v4.1: 114 of 1,613,434 alleles (0.0071%); highest among the groups gnomAD compares: Non-Finnish European, 0.0092%; no homozygotes.

Submissions (8):

Revvity Omics, Revvity
Classification: Uncertain significance. Last evaluated: 2025-08-11. Review status: criteria provided, single submitter. Criteria: ACMG Guidelines, 2015. Collection method: clinical testing. Allele origin: germline.

Molecular Diagnostic Laboratory for Inherited Cardiovascular Disease, Montreal Heart Institute
Classification: Likely benign. Last evaluated: 2025-04-09. Review status: criteria provided, single submitter. Criteria: ACMG Guidelines, 2015. Collection method: clinical testing. Allele origin: germline. Affected: no.

GeneDx
Classification: Likely benign. Last evaluated: 2021-06-09. Review status: criteria provided, single submitter. Criteria: GeneDx Variant Classification Process June 2021. Collection method: clinical testing. Allele origin: germline. Affected: yes.

Eurofins Ntd Llc (ga)
Classification: Uncertain significance. Last evaluated: 2017-01-03. Review status: criteria provided, single submitter. Criteria: EGL Classification Definitions 2015. Collection method: clinical testing. Allele origin: germline. Observed: 5 variant alleles, 5 heterozygotes.

Labcorp Genetics (formerly Invitae), Labcorp
Classification: Uncertain significance for Dilated cardiomyopathy 1G; Autosomal recessive limb-girdle muscular dystrophy type 2J. Last evaluated: 2016-02-26. Review status: criteria provided, single submitter. Criteria: Invitae Variant Classification Sherloc (09022015). Collection method: clinical testing. Allele origin: germline.

Laboratory for Molecular Medicine, Mass General Brigham Personalized Medicine
Classification: Uncertain significance. Last evaluated: 2014-12-18. Review status: criteria provided, single submitter. Criteria: LMM Criteria. Collection method: clinical testing. Allele origin: germline. Observed: 1 variant allele.
Comment: The p.Ser25017Tyr variant in TTN has not been previously reported in individuals with cardiomyopathy, but has been identified in 11/67626 European chromosomes b y the Exome Aggregation Consortium (ExAC; dbSNP rs72648215). Computational prediction tools and conservation analysis do not pro vide strong support for or against an impact to the protein. In summary, the cli nical significance of the p.Ser25017Tyr variant is uncertain.

PreventionGenetics, part of Exact Sciences
Classification: Uncertain significance for TTN-related condition. Last evaluated: 2024-02-04. Review status: no assertion criteria provided. Collection method: clinical testing. Allele origin: germline. Not counted in ClinVar's aggregate classification.
Comment: The TTN c.82754C>A variant is predicted to result in the amino acid substitution p.Ser27585Tyr. This variant was reported in a dilated cardiomyopathy cohort; however, no additional studies were performed to help assess the pathogenicity of this variant (Begay et al. 2015. PubMed ID: 26567375). This variant is reported in 0.020% of alleles in individuals of European (Non-Finnish) descent in gnomAD. At this time, the clinical significance of this variant is uncertain due to the absence of conclusive functional and genetic evidence.

Practice for Gait Abnormalities, David Pomarino, Competency Network Toe Walking C/o Practice Pomarino
Classification: Likely pathogenic for Tip-toe gait. Review status: no assertion criteria provided. Collection method: clinical testing. Allele origin: germline. Affected: yes. Not counted in ClinVar's aggregate classification.
Comment: Myopathy refers to diseases that affect skeletal Muscles. These diseases attack muscle fibers, making muscles weak. Inherited myopathies are often caused by inheriting an abnormal gene mutation from a parent that causes the disease. Symptoms of congenital myopathies usually start at birth or in early childhood, but may not appear until the teen years or even later in adulthood. Congenital myopathies are somewhat unique compared with other inherited myopathies, as weakness typically affects all muscles and is often not progressive. Symptoms are: Muscle weakness, most commonly of upper arms and shoulders and thighs, muscle cramps, stiffness and spasms, fatigue with exertion and lack of energy. Our patients all walk on tiptoe, so they show similar symptoms. When we genetically test them with our toe walking panel, we find that around 90 per cent of them have a genetic variant that explains their toe walking. These can be assigned, for example, to the area of myopathies (such as variants of the COL6A3 gene), the area of hereditary neuropathies (such as variants of the KMT2C gene) or the area of metabolic diseases (such as variants of the PYGM gene). In a smaller group of patients with almost identical symptoms, no abnormality is found in the genes of our panel, but spastic paraplegia can be detected. In another small group of our toe walkers, no abnormalities can be detected in the genes analysed in our toe walking panel, nor do they suffer from spastic paraplegia, as is also the case with healthy children. In contrast to these, however, they show a tiptoe gait. These patients suffer from infantile cerebral palsy, in which toe walking can also be observed.

Literature cited by the submitters: PubMed 37091313 (cited by Practice for Gait Abnormalities, David Pomarino, Competency Network Toe Walking C/o Practice Pomarino).